The following is an entry in ClinVar:

ClinVar aggregate classification (germline): Uncertain significance. Review status: criteria provided, multiple submitters, no conflicts (2 of 4 stars). 2 submissions from 2 submitters: Uncertain significance (2). Last evaluated 2026-07-01.

Submissions (2):

CeGaT Center for Human Genetics Tuebingen
Classification: Uncertain significance. Last evaluated: 2026-07-01. Review status: criteria provided, single submitter. Criteria: CeGaT Center For Human Genetics Tuebingen Variant Classification Criteria Version 2. Collection method: clinical testing. Allele origin: germline. Affected: yes. Observed: 1 variant allele.
Comment: GRM1: PM2

Mayo Clinic Laboratories, Mayo Clinic
Classification: Uncertain significance. Last evaluated: 2025-11-14. Review status: criteria provided, single submitter. Criteria: ACMG Guidelines, 2015. Collection method: clinical testing. Allele origin: germline. Observed: 1 variant allele.
Comment: PM2_supporting

NM_001278064.2(GRM1):c.1278C>A (p.Asn426Lys)

Gene: GRM1 (glutamate metabotropic receptor 1; plus strand). Cytogenetic location: 6q24.3.
Variant type: single nucleotide variant.
Coding change: c.1278C>A on transcript NM_001278064.2 (MANE Select); coding-DNA position 1278, C replaced by A.
Protein change: p.Asn426Lys; replaces asparagine 426 with lysine.
Molecular consequence: missense variant.
Genome position (GRCh38, 1-based): chr6:146,352,341, C>A. VCF-style: chr6-146352341-C-A. GRCh37 (hg19) VCF-style: chr6-146673477-C-A.
Other names: p.Asn426Lys; c.1278C>A, p.Asn426Lys (NM_001278065.2, NM_001278066.1, NM_001278067.1); short protein forms N426K.
Identifiers: ClinVar variation 4541235 (VCV004541235.2).